The following is an entry in ClinVar:

NM_001042492.3(NF1):c.3031dup (p.Ile1011fs)

Gene: NF1 (neurofibromin 1; plus strand). Cytogenetic location: 17q11.2.
Variant type: Duplication.
Coding change: c.3031dup on transcript NM_001042492.3 (MANE Select); coding-DNA position 3031, one base duplicated (A; older notation c.3031dupA).
Protein change: p.Ile1011fs; shifts the reading frame from isoleucine 1011.
Molecular consequence: frameshift variant.
Genome position (GRCh38, 1-based): chr17:31,230,300, A duplicated; the last of 3 consecutive A bases (chr17:31,230,298-31,230,300); duplicating any one gives the same sequence. VCF-style (leftmost placement, unchanged base first): chr17-31230297-C-CA. GRCh37 (hg19) VCF-style: chr17-29557315-C-CA.
Other names: c.3031dup, p.Ile1011fs (NM_000267.4); c.3031dupA (NM_000267.3); short protein forms I1011fs.
Identifiers: ClinVar variation 4615758 (VCV004615758.1).

ClinVar aggregate classification (germline): Pathogenic (1 of 4 stars; one submission).

Conditions:
Cardiovascular phenotype. Identifiers: MedGen CN230736.
Hereditary cancer-predisposing syndrome. Also called: Neoplastic Syndromes, Hereditary; Tumor predisposition; Hereditary Cancer Syndrome; Hereditary neoplastic syndrome. Identifiers: Orphanet 140162, MedGen C0027672, MeSH D009386, MONDO:0015356.

Submission:

Ambry Genetics
Classification: Pathogenic for Cardiovascular phenotype; Hereditary cancer-predisposing syndrome. Last evaluated: 2025-10-15. Review status: criteria provided, single submitter. Criteria: Ambry Variant Classification Scheme 2023. Collection method: clinical testing. Allele origin: germline.
Comment: The c.3031dupA pathogenic mutation, located in coding exon 23 of the NF1 gene, results from a duplication of A at nucleotide position 3031, causing a translational frameshift with a predicted alternate stop codon (p.I1011Nfs*10). This variant is considered to be rare based on population cohorts in the Genome Aggregation Database (gnomAD). This alteration is expected to result in loss of function by premature protein truncation or nonsense-mediated mRNA decay. As such, this alteration is interpreted as a disease-causing mutation.